The following is an entry in ClinVar:

ClinVar aggregate classification (germline): Uncertain significance (1 of 4 stars; one submission).

Conditions:
Familial adenomatous polyposis 1 (FAP1). Also called: FAMILIAL ADENOMATOUS POLYPOSIS 1, ATTENUATED; POLYPOSIS, ADENOMATOUS INTESTINAL. Identifiers: MedGen C2713442, MONDO:0021056, OMIM 175100. Disease mechanism: loss of function.

Submission:

Labcorp Genetics (formerly Invitae), Labcorp
Classification: Uncertain significance for Familial adenomatous polyposis 1. Last evaluated: 2025-07-20. Review status: criteria provided, single submitter. Criteria: Invitae Variant Classification Sherloc (09022015). Collection method: clinical testing. Allele origin: germline.
Comment: This variant occurs in a non-coding region of the APC gene. It does not change the encoded amino acid sequence of the APC protein. This variant is not present in population databases (gnomAD no frequency). This variant has not been reported in the literature in individuals affected with APC-related conditions. ClinVar contains an entry for this variant (Variation ID: 537644). Experimental studies and prediction algorithms are not available or were not evaluated, and the functional significance of this variant is currently unknown. In summary, the available evidence is currently insufficient to determine the role of this variant in disease. Therefore, it has been classified as a Variant of Uncertain Significance.

NC_000005.10:g.112707397G>T

Gene: APC (APC regulator of Wnt signaling pathway; plus strand). Cytogenetic location: 5q22.2.
Variant type: single nucleotide variant.
Genome position: GRCh38 VCF-style: chr5-112707397-G-T. GRCh37 (hg19) VCF-style: chr5-112043094-G-T.
Identifiers: ClinVar variation 537644 (VCV000537644.9), dbSNP rs1554060134, ClinGen allele CA658796589.